The following is an entry in ClinVar:

NM_182916.3(TRNT1):c.1054G>C (p.Asp352His)

Gene: TRNT1 (tRNA nucleotidyl transferase 1; plus strand). Cytogenetic location: 3p26.2.
Variant type: single nucleotide variant.
Coding change: c.1054G>C on transcript NM_182916.3 (MANE Select); coding-DNA position 1054, G replaced by C.
Protein change: p.Asp352His; replaces aspartic acid 352 with histidine.
Molecular consequence: missense variant. On other transcripts: non-coding transcript variant (8).
Genome position (GRCh38, 1-based): chr3:3,147,701, G>C. VCF-style: chr3-3147701-G-C. GRCh37 (hg19) VCF-style: chr3-3189385-G-C.
Other names: c.994G>C, p.Asp332His (NM_001302946.2); c.1054G>C, p.Asp352His (NM_001367321.1, NM_001367322.1, NM_001367323.1); short protein forms D332H, D352H.
Identifiers: ClinVar variation 1041991 (VCV001041991.2), dbSNP rs1170870898, ClinGen allele CA351448412.

ClinVar aggregate classification (germline): Uncertain significance (1 of 4 stars; one submission).

Conditions:
Congenital sideroblastic anemia-B-cell immunodeficiency-periodic fever-developmental delay syndrome. Also called: Sideroblastic anemia with B-cell immunodeficiency, periodic fevers, and developmental delay. Identifiers: Orphanet 369861, MedGen C4015172, MONDO:0014487, OMIM 616084.

Allele frequency attached by ClinVar (database versions not stated): gnomAD exomes below 0.00001 and 0.00001; gnomAD 0.00001.
gnomAD v4.1: 6 of 1,608,872 alleles (0.00037%); highest among the groups gnomAD compares: Non-Finnish European, 0.00051%; no homozygotes.

Submission:

Labcorp Genetics (formerly Invitae), Labcorp
Classification: Uncertain significance for Congenital sideroblastic anemia-B-cell immunodeficiency-periodic fever-developmental delay syndrome. Last evaluated: 2021-08-20. Review status: criteria provided, single submitter. Criteria: Invitae Variant Classification Sherloc (09022015). Collection method: clinical testing. Allele origin: germline.
Comment: This sequence change replaces aspartic acid with histidine at codon 352 of the TRNT1 protein (p.Asp352His). The aspartic acid residue is moderately conserved and there is a moderate physicochemical difference between aspartic acid and histidine. This variant is not present in population databases (ExAC no frequency). This variant has not been reported in the literature in individuals affected with TRNT1-related conditions. Algorithms developed to predict the effect of missense changes on protein structure and function (SIFT, PolyPhen-2, Align-GVGD) all suggest that this variant is likely to be tolerated. In summary, the available evidence is currently insufficient to determine the role of this variant in disease. Therefore, it has been classified as a Variant of Uncertain Significance.